The following is an entry in ClinVar:

ClinVar aggregate classification (germline): Uncertain significance (1 of 4 stars; one submission).

Conditions:
TWIST1-related craniosynostosis (CRS1). Also called: CRANIOSYNOSTOSIS 1. Identifiers: Orphanet 63440, MedGen C4551902, MONDO:0007399, OMIM 123100. Inheritance: Heterogenous inheritance pattern.

Allele frequency attached by ClinVar (database versions not stated): ExAC 0.00091.

Submission:

Labcorp Genetics (formerly Invitae), Labcorp
Classification: Uncertain significance for TWIST1-related craniosynostosis. Last evaluated: 2023-12-09. Review status: criteria provided, single submitter. Criteria: Invitae Variant Classification Sherloc (09022015). Collection method: clinical testing. Allele origin: germline.
Comment: This sequence change replaces tryptophan, which is neutral and slightly polar, with glycine, which is neutral and non-polar, at codon 67 of the ERF protein (p.Trp67Gly). The frequency data for this variant in the population databases is considered unreliable, as metrics indicate poor data quality at this position in the gnomAD database. This variant has not been reported in the literature in individuals affected with ERF-related conditions. This missense change has been observed in at least one individual who was not affected with ERF-related conditions (Invitae). ClinVar contains an entry for this variant (Variation ID: 1500895). Advanced modeling of protein sequence and biophysical properties (such as structural, functional, and spatial information, amino acid conservation, physicochemical variation, residue mobility, and thermodynamic stability) performed at Invitae indicates that this missense variant is expected to disrupt ERF protein function with a positive predictive value of 80%. In summary, the available evidence is currently insufficient to determine the role of this variant in disease. Therefore, it has been classified as a Variant of Uncertain Significance.

NM_006494.4(ERF):c.199T>G (p.Trp67Gly)

Gene: ERF (ETS2 repressor factor; minus strand). Cytogenetic location: 19q13.2.
Variant type: single nucleotide variant.
Coding change: c.199T>G on transcript NM_006494.4 (MANE Select); coding-DNA position 199, T replaced by G.
Protein change: p.Trp67Gly; replaces tryptophan 67 with glycine.
Molecular consequence: missense variant. On other transcripts: 5 prime UTR variant (3).
Genome position (GRCh38, 1-based): chr19:42,250,389, A>C on the plus strand (T>G on the coding strand, the complement: ERF is on the minus strand). VCF-style: chr19-42250389-A-C. GRCh37 (hg19) VCF-style: chr19-42754541-A-C.
Other names: c.-27T>G (NM_001301035.2, NM_001308402.2, NM_001312656.2); short protein forms W67G.
Identifiers: ClinVar variation 1500895 (VCV001500895.8), dbSNP rs141468833, ClinGen allele CA9471487.